The following is an entry in ClinVar:

ClinVar aggregate classification (germline): Pathogenic (1 of 4 stars; one submission).

Conditions:
Nemaline myopathy 2 (NEM2). Also called: Nemaline myopathy 2, autosomal recessive. Identifiers: MedGen C1850569, MONDO:0009725, OMIM 256030.

Submission:

Myriad Genetics, Inc.
Classification: Pathogenic for Nemaline myopathy 2. Last evaluated: 2026-03-19. Review status: criteria provided, single submitter. Criteria: Myriad Autosomal Dominant, Autosomal Recessive and X-Linked Classification Criteria (2023). Collection method: clinical testing. Allele origin: unknown.
Comment: NM_001271208.1(NEB):c.4847dupA(Y1618Lfs*2) is expected to be pathogenic in the context of NEB-related nemaline myopathy. This variant is predicted to lead to an abnormal or absent protein product due to the creation of a premature termination codon in NEB, a gene where loss-of-function variants are known to be pathogenic. Please note: this variant was assessed in the context of healthy population screening.

NM_001164508.2(NEB):c.4847dup (p.Tyr1618fs)

Gene: NEB (nebulin; minus strand). Cytogenetic location: 2q23.3.
Variant type: Duplication.
Coding change: c.4847dup on transcript NM_001164508.2 (MANE Select); coding-DNA position 4847, one base duplicated (A; older notation c.4847dupA).
Protein change: p.Tyr1618fs; shifts the reading frame from tyrosine 1618.
Molecular consequence: frameshift variant.
Genome position (GRCh38, 1-based): chr2:151,666,274, T duplicated on the plus strand (A on the coding strand, the reverse complement: NEB is on the minus strand); the first of 5 consecutive T bases (chr2:151,666,274-151,666,278); duplicating any one gives the same sequence. VCF-style (leftmost placement, unchanged base first): chr2-151666273-C-CT. GRCh37 (hg19) VCF-style: chr2-152522787-C-CT.
Other names: c.4847dup, p.Tyr1618fs (NM_001164507.2, NM_001271208.2, NM_004543.5); short protein forms Y1618fs.
Identifiers: ClinVar variation 5015698 (VCV005015698.1).
Genomic context (GRCh38, chr2:151,666,273, plus strand): 5'-AGCTGTCACACTGACCATATCCAGAGGTGTGTGGTACTTGGTCTTGCTGGCTTCATAGCC[C>CT]TTTTTGTACTCACGATCAGACTGGATTTTGGCCACATTCATGTAGTGAACCAGTTTAGGA-3'